The following is an entry in ClinVar:

ClinVar aggregate classification (germline): Pathogenic (1 of 4 stars; one submission).

Conditions:
Developmental and epileptic encephalopathy. Identifiers: MedGen C5779964, MONDO:0100620.

Submission:

Labcorp Genetics (formerly Invitae), Labcorp
Classification: Pathogenic for Early-infantile DEE. Last evaluated: 2022-10-13. Review status: criteria provided, single submitter. Criteria: Invitae Variant Classification Sherloc (09022015). Collection method: clinical testing. Allele origin: unknown.
Comment: For these reasons, this variant has been classified as Pathogenic. This variant disrupts a region of the KCNQ2 protein in which other variant(s) (p.Cys774Leufs*91, p.Gly727Alafs*140) have been determined to be pathogenic (PMID: 23692823; Invitae). This suggests that this is a clinically significant region of the protein, and that variants that disrupt it are likely to be disease-causing. Variants that disrupt the consensus splice site are a relatively common cause of aberrant splicing (PMID: 17576681, 9536098). This variant has not been reported in the literature in individuals affected with KCNQ2-related conditions. This variant results in the deletion of exons 15-17 and part of exon 14 (c.1622_*10164del) of the KCNQ2 gene. While this variant is not anticipated to result in nonsense mediated decay, it likely alters RNA splicing and results in a disrupted protein product.

Literature cited by the submitters: PubMed 23692823; PubMed 17576681; PubMed 9536098.

NC_000020.10:g.(?_62027833)_(62045450_?)del

Gene: KCNQ2 (potassium voltage-gated channel subfamily Q member 2; minus strand). Cytogenetic location: 20q13.33.
Variant type: Deletion.
Identifiers: ClinVar variation 3248257 (VCV003248257.1).